The following is an entry in ClinVar:

NM_001291303.3(FAT4):c.2947A>G (p.Thr983Ala)

Gene: FAT4 (FAT atypical cadherin 4; plus strand). Cytogenetic location: 4q28.1.
Variant type: single nucleotide variant.
Coding change: c.2947A>G on transcript NM_001291303.3 (MANE Select); coding-DNA position 2947, A replaced by G.
Protein change: p.Thr983Ala; replaces threonine 983 with alanine.
Molecular consequence: missense variant.
Genome position (GRCh38, 1-based): chr4:125,319,358, A>G. VCF-style: chr4-125319358-A-G. GRCh37 (hg19) VCF-style: chr4-126240513-A-G.
Other names: c.2947A>G, p.Thr983Ala (NM_001291285.3, NM_024582.6); short protein forms T983A.
Identifiers: ClinVar variation 2172941 (VCV002172941.3), dbSNP rs1038652411, ClinGen allele CA104865686.
Genomic context (GRCh38, chr4:125,319,358, plus strand): 5'-CAAATAGAGATCTTGGCATCTGACATGGGTGTCCCACAGCTCTCCTCTAGTGTCATCTTA[A>G]CAGTTTATGTCCATGATGTAAATGACAATTCACCAGTGTTTGACCAACTCTCTTATGAAG-3'
Protein context (NP_001278232.1, residues 973-993): VPQLSSSVIL[Thr983Ala]VYVHDVNDNS

ClinVar aggregate classification (germline): Uncertain significance (1 of 4 stars; one submission).

Submission:

Labcorp Genetics (formerly Invitae), Labcorp
Classification: Uncertain significance. Last evaluated: 2022-07-12. Review status: criteria provided, single submitter. Criteria: Invitae Variant Classification Sherloc (09022015). Collection method: clinical testing. Allele origin: germline.
Comment: This sequence change replaces threonine, which is neutral and polar, with alanine, which is neutral and non-polar, at codon 983 of the FAT4 protein (p.Thr983Ala). This variant is present in population databases (no rsID available, gnomAD 0.007%). This variant has not been reported in the literature in individuals affected with FAT4-related conditions. Advanced modeling of protein sequence and biophysical properties (such as structural, functional, and spatial information, amino acid conservation, physicochemical variation, residue mobility, and thermodynamic stability) performed at Invitae indicates that this missense variant is not expected to disrupt FAT4 protein function. In summary, the available evidence is currently insufficient to determine the role of this variant in disease. Therefore, it has been classified as a Variant of Uncertain Significance.